The following is an entry in ClinVar:

ClinVar aggregate classification (germline): Uncertain significance (1 of 4 stars; one submission).

Conditions:
Early-infantile DEE. Also called: Ohtahara syndrome; Early infantile epileptic encephalopathy with suppression bursts; Early infantile epileptic encephalopathy. Identifiers: Orphanet 1934, MedGen C0393706, MONDO:0800491.

Submission:

Labcorp Genetics (formerly Invitae), Labcorp
Classification: Uncertain significance for Early-infantile DEE. Last evaluated: 2024-05-15. Review status: criteria provided, single submitter. Criteria: Invitae Variant Classification Sherloc (09022015). Collection method: clinical testing. Allele origin: germline.
Comment: This sequence change falls in intron 20 of the SCN1A gene. It does not directly change the encoded amino acid sequence of the SCN1A protein. However, this sequence change falls within a region encompassing a cryptic exon in the SCN1A gene, in which variants have been shown to alter splicing (PMID: 30526861, 34107977). This variant is not present in population databases (gnomAD no frequency). This variant has not been reported in the literature in individuals affected with SCN1A-related conditions. ClinVar contains an entry for this variant (Variation ID: 1614944). Algorithms developed to predict the effect of sequence changes on RNA splicing suggest that this variant is not likely to affect RNA splicing. In summary, the available evidence is currently insufficient to determine the role of this variant in disease. Therefore, it has been classified as a Variant of Uncertain Significance.

Literature cited by the submitters: PubMed 30526861; PubMed 34107977.

NM_001165963.4(SCN1A):c.4002+2577T>A

Genes: SCN1A (sodium voltage-gated channel alpha subunit 1; minus strand), LOC102724058 (uncharacterized LOC102724058; plus strand). Cytogenetic location: 2q24.3.
Variant type: single nucleotide variant.
Coding change: c.4002+2577T>A on transcript NM_001165963.4 (MANE Select); 2577 bases into the intron after coding-DNA position 4002, T replaced by A.
Molecular consequence: intron variant.
Genome position (GRCh38, 1-based): chr2:166,007,142, A>T on the plus strand (T>A on the coding strand, the complement: SCN1A is on the minus strand). VCF-style: chr2-166007142-A-T. GRCh37 (hg19) VCF-style: chr2-166863652-A-T.
Other names: c.3969+2577T>A (NM_001353949.2, NM_001353950.2, NM_001353951.2 and 2 more transcripts); c.3918+2577T>A (NM_001353958.2, NM_001353957.2, NM_001165964.3); c.4002+2577T>A (NM_001202435.3, NM_001353948.2); c.3966+2577T>A (NM_001353955.2, NM_001353954.2); c.3915+2577T>A (NM_001353960.2); c.1560+2577T>A (NM_001353961.2).
Identifiers: ClinVar variation 1614944 (VCV001614944.9), dbSNP rs1691773795, ClinGen allele CA2573133056.